The following is an entry in ClinVar:

ClinVar aggregate classification (germline): Likely benign (1 of 4 stars; one submission).

Allele frequency attached by ClinVar (database versions not stated): ESP Exome Variant Server 0.00055; gnomAD 0.00060.
gnomAD v4.1: 804 of 1,613,498 alleles (0.05%); highest among the groups gnomAD compares: Non-Finnish European, 0.054%; 1 homozygote.

Submission:

CeGaT Center for Human Genetics Tuebingen
Classification: Likely benign. Last evaluated: 2022-10-01. Review status: criteria provided, single submitter. Criteria: CeGaT Center For Human Genetics Tuebingen Variant Classification Criteria Version 2. Collection method: clinical testing. Allele origin: germline. Affected: yes. Observed: 2 variant alleles.
Comment: SBNO2: BP4, BP7

NM_014963.3(SBNO2):c.375G>T (p.Pro125=)

Gene: SBNO2 (strawberry notch homolog 2; minus strand). Cytogenetic location: 19p13.3.
Variant type: single nucleotide variant.
Coding change: c.375G>T on transcript NM_014963.3 (MANE Select); coding-DNA position 375, G replaced by T.
Protein change: p.Pro125=; no amino-acid change (proline 125 retained).
Molecular consequence: synonymous variant.
Genome position (GRCh38, 1-based): chr19:1,127,670, C>A on the plus strand (G>T on the coding strand, the complement: SBNO2 is on the minus strand). VCF-style: chr19-1127670-C-A. GRCh37 (hg19) VCF-style: chr19-1127669-C-A.
Other names: c.204G>T, p.Pro68= (NM_001100122.2).
Identifiers: ClinVar variation 2648906 (VCV002648906.24), dbSNP rs199745276, ClinGen allele CA9039116.